The following is an entry in ClinVar:

ClinVar aggregate classification (germline): Conflicting classifications of pathogenicity. Review status: criteria provided, conflicting classifications (1 of 4 stars). 5 submissions from 5 submitters: Uncertain significance (4); Likely benign (1). Last evaluated 2025-12-01.

Conditions:
Autosomal recessive ataxia, Beauce type. Also called: SYNE1 Deficiency; Spinocerebellar ataxia, autosomal recessive 8; SYNE1-Related Autosomal Recessive Cerebellar Ataxia; ATAXIA, RECESSIVE, OF BEAUCE. Identifiers: Orphanet 88644, MedGen C1853116, MONDO:0012549, OMIM 610743.
Emery-Dreifuss muscular dystrophy 4, autosomal dominant (EDMD4). Also called: EMERY-DREIFUSS MUSCULAR DYSTROPHY 4 WITH VARIABLE FEATURES. Identifiers: Orphanet 261, MedGen C2751807, MONDO:0013071, OMIM 612998.

Allele frequency attached by ClinVar (database versions not stated): gnomAD exomes 0.00006 and 0.00012; ExAC 0.00012; 1000 Genomes Project 30x 0.00016; 1000 Genomes Project 0.00020; gnomAD 0.00052 and 0.00058; TOPMed 0.00053; ESP Exome Variant Server 0.00077.

Submissions (5):

Labcorp Genetics (formerly Invitae), Labcorp
Classification: Uncertain significance for Emery-Dreifuss muscular dystrophy 4, autosomal dominant; Autosomal recessive ataxia, Beauce type. Last evaluated: 2025-12-01. Review status: criteria provided, single submitter. Criteria: Invitae Variant Classification Sherloc (09022015). Collection method: clinical testing. Allele origin: germline.
Comment: This sequence change replaces aspartic acid, which is acidic and polar, with valine, which is neutral and non-polar, at codon 1032 of the SYNE1 protein (p.Asp1032Val). This variant is present in population databases (rs143093185, gnomAD 0.2%). This variant has not been reported in the literature in individuals affected with SYNE1-related conditions. ClinVar contains an entry for this variant (Variation ID: 195990). An algorithm developed to predict the effect of missense changes on protein structure and function (PolyPhen-2) suggests that this variant is likely to be tolerated. In summary, the available evidence is currently insufficient to determine the role of this variant in disease. Therefore, it has been classified as a Variant of Uncertain Significance.

GeneDx
Classification: Uncertain significance. Last evaluated: 2025-03-11. Review status: criteria provided, single submitter. Criteria: GeneDx Variant Classification Process June 2021. Collection method: clinical testing. Allele origin: germline. Affected: yes.
Comment: In silico analysis supports that this missense variant has a deleterious effect on protein structure/function; Has not been previously published as pathogenic or benign to our knowledge

Revvity Omics, Revvity
Classification: Uncertain significance. Last evaluated: 2024-01-18. Review status: criteria provided, single submitter. Criteria: ACMG Guidelines, 2015. Collection method: clinical testing. Allele origin: germline.

Athena Diagnostics
Classification: Likely benign. Last evaluated: 2019-02-11. Review status: criteria provided, single submitter. Criteria: Athena Diagnostics Criteria. Collection method: clinical testing. Allele origin: germline.

Eurofins Ntd Llc (ga)
Classification: Uncertain significance. Last evaluated: 2016-12-20. Review status: criteria provided, single submitter. Criteria: EGL Classification Definitions 2015. Collection method: clinical testing. Allele origin: germline. Observed: 3 variant alleles, 3 heterozygotes.

NM_182961.4(SYNE1):c.3074A>T (p.Asp1025Val)

Gene: SYNE1 (spectrin repeat containing nuclear envelope protein 1; minus strand). Cytogenetic location: 6q25.2.
Variant type: single nucleotide variant.
Coding change: c.3074A>T on transcript NM_182961.4 (MANE Select); coding-DNA position 3074, A replaced by T.
Protein change: p.Asp1025Val; replaces aspartic acid 1025 with valine.
Molecular consequence: missense variant.
Genome position (GRCh38, 1-based): chr6:152,451,159, T>A on the plus strand (A>T on the coding strand, the complement: SYNE1 is on the minus strand). VCF-style: chr6-152451159-T-A. GRCh37 (hg19) VCF-style: chr6-152772294-T-A.
Other names: c.3095A>T, p.Asp1032Val (NM_033071.5); short protein forms D1025V, D1032V.
Identifiers: ClinVar variation 195990 (VCV000195990.18), dbSNP rs143093185, ClinGen allele CA242715.